The following is an entry in ClinVar:

NM_152743.4(BRAT1):c.650C>T (p.Ala217Val)

Gene: BRAT1 (BRCA1 associated ATM activator 1; minus strand). Cytogenetic location: 7p22.3.
Variant type: single nucleotide variant.
Coding change: c.650C>T on transcript NM_152743.4 (MANE Select); coding-DNA position 650, C replaced by T.
Protein change: p.Ala217Val; replaces alanine 217 with valine.
Molecular consequence: missense variant. On other transcripts: non-coding transcript variant (1).
Genome position (GRCh38, 1-based): chr7:2,543,743, G>A on the plus strand (C>T on the coding strand, the complement: BRAT1 is on the minus strand). VCF-style: chr7-2543743-G-A. GRCh37 (hg19) VCF-style: chr7-2583377-G-A.
Other names: c.650C>T, p.Ala217Val (NM_001350626.2); c.125C>T, p.Ala42Val (NM_001350627.2); short protein forms A217V, A42V.
Identifiers: ClinVar variation 2099499 (VCV002099499.4), dbSNP rs2534389663, ClinGen allele CA366632053.

ClinVar aggregate classification (germline): Uncertain significance (1 of 4 stars; one submission).

Conditions:
Neonatal-onset encephalopathy with rigidity and seizures. Also called: Lethal neonatal spasticity-epileptic encephalopathy syndrome. Identifiers: Orphanet 435845, MedGen C3281029, MONDO:0013784, OMIM 614498.

Allele frequency attached by ClinVar (database versions not stated): gnomAD exomes below 0.00001.
gnomAD v4.1: 1 of 1,602,656 alleles (0.000062%); highest among the groups gnomAD compares: South Asian, 0.0011%; no homozygotes.

Submission:

Labcorp Genetics (formerly Invitae), Labcorp
Classification: Uncertain significance for Neonatal-onset encephalopathy with rigidity and seizures. Last evaluated: 2022-03-14. Review status: criteria provided, single submitter. Criteria: Invitae Variant Classification Sherloc (09022015). Collection method: clinical testing. Allele origin: germline.
Comment: Algorithms developed to predict the effect of missense changes on protein structure and function are either unavailable or do not agree on the potential impact of this missense change (SIFT: "Deleterious"; PolyPhen-2: "Probably Damaging"; Align-GVGD: "Class C0"). This variant has not been reported in the literature in individuals affected with BRAT1-related conditions. This variant is not present in population databases (gnomAD no frequency). This sequence change replaces alanine, which is neutral and non-polar, with valine, which is neutral and non-polar, at codon 217 of the BRAT1 protein (p.Ala217Val). In summary, the available evidence is currently insufficient to determine the role of this variant in disease. Therefore, it has been classified as a Variant of Uncertain Significance.